The following is an entry in ClinVar:

NM_016292.3(TRAP1):c.404G>A (p.Gly135Asp)

Gene: TRAP1 (TNF receptor associated protein 1; minus strand). Cytogenetic location: 16p13.3.
Variant type: single nucleotide variant.
Coding change: c.404G>A on transcript NM_016292.3 (MANE Select); coding-DNA position 404, G replaced by A.
Protein change: p.Gly135Asp; replaces glycine 135 with aspartic acid.
Molecular consequence: missense variant.
Genome position (GRCh38, 1-based): chr16:3,686,063, C>T on the plus strand (G>A on the coding strand, the complement: TRAP1 is on the minus strand). VCF-style: chr16-3686063-C-T. GRCh37 (hg19) VCF-style: chr16-3736064-C-T.
Other names: c.245G>A, p.Gly82Asp (NM_001272049.2); short protein forms G82D, G135D.
Identifiers: ClinVar variation 2757287 (VCV002757287.3), dbSNP rs766312839, ClinGen allele CA394571461.

ClinVar aggregate classification (germline): Uncertain significance (1 of 4 stars; one submission).

Submission:

Labcorp Genetics (formerly Invitae), Labcorp
Classification: Uncertain significance. Last evaluated: 2023-12-07. Review status: criteria provided, single submitter. Criteria: Invitae Variant Classification Sherloc (09022015). Collection method: clinical testing. Allele origin: germline.
Comment: This sequence change replaces glycine, which is neutral and non-polar, with aspartic acid, which is acidic and polar, at codon 135 of the TRAP1 protein (p.Gly135Asp). This variant is not present in population databases (gnomAD no frequency). This variant has not been reported in the literature in individuals affected with TRAP1-related conditions. Advanced modeling of protein sequence and biophysical properties (such as structural, functional, and spatial information, amino acid conservation, physicochemical variation, residue mobility, and thermodynamic stability) performed at Invitae indicates that this missense variant is not expected to disrupt TRAP1 protein function with a negative predictive value of 80%. In summary, the available evidence is currently insufficient to determine the role of this variant in disease. Therefore, it has been classified as a Variant of Uncertain Significance.